The following is an entry in ClinVar:

ClinVar aggregate classification (germline): Uncertain significance (1 of 4 stars; one submission).

Allele frequency attached by ClinVar (database versions not stated): gnomAD exomes below 0.00001 and 0.00001; TOPMed 0.00001; ExAC 0.00002.

Submission:

Labcorp Genetics (formerly Invitae), Labcorp
Classification: Uncertain significance. Last evaluated: 2022-09-27. Review status: criteria provided, single submitter. Criteria: Invitae Variant Classification Sherloc (09022015). Collection method: clinical testing. Allele origin: germline.
Comment: ClinVar contains an entry for this variant (Variation ID: 1490030). Algorithms developed to predict the effect of missense changes on protein structure and function output the following: SIFT: "Not Available"; PolyPhen-2: "Benign"; Align-GVGD: "Not Available". The lysine amino acid residue is found in multiple mammalian species, which suggests that this missense change does not adversely affect protein function. This sequence change replaces glutamic acid, which is acidic and polar, with lysine, which is basic and polar, at codon 1807 of the CEP250 protein (p.Glu1807Lys). This variant is present in population databases (rs759174483, gnomAD 0.006%). This variant has not been reported in the literature in individuals affected with CEP250-related conditions. In summary, the available evidence is currently insufficient to determine the role of this variant in disease. Therefore, it has been classified as a Variant of Uncertain Significance.

NM_007186.6(CEP250):c.5419G>A (p.Glu1807Lys)

Gene: CEP250 (centrosomal protein 250; plus strand). Cytogenetic location: 20q11.22.
Variant type: single nucleotide variant.
Coding change: c.5419G>A on transcript NM_007186.6 (MANE Select); coding-DNA position 5419, G replaced by A.
Protein change: p.Glu1807Lys; replaces glutamic acid 1807 with lysine.
Molecular consequence: missense variant.
Genome position (GRCh38, 1-based): chr20:35,503,788, G>A. VCF-style: chr20-35503788-G-A. GRCh37 (hg19) VCF-style: chr20-34091616-G-A.
Other names: c.3523G>A, p.Glu1175Lys (NM_001318219.1); short protein forms E1807K, E1175K.
Identifiers: ClinVar variation 1490030 (VCV001490030.8), dbSNP rs759174483, ClinGen allele CA9833873.